The following is an entry in ClinVar:

NM_170707.4(LMNA):c.13T>A (p.Ser5Thr)

Gene: LMNA (lamin A/C; plus strand). Cytogenetic location: 1q22.
Variant type: single nucleotide variant.
Coding change: c.13T>A on transcript NM_170707.4 (MANE Select); coding-DNA position 13, T replaced by A.
Protein change: p.Ser5Thr; replaces serine 5 with threonine.
Molecular consequence: missense variant. On other transcripts: 5 prime UTR variant (8), intron variant (2).
Genome position (GRCh38, 1-based): chr1:156,114,931, T>A. VCF-style: chr1-156114931-T-A. GRCh37 (hg19) VCF-style: chr1-156084722-T-A.
Other names: c.13T>A, p.Ser5Thr (NM_001282625.2, NM_001282626.2, NM_001406983.1 and 6 more transcripts); c.-411T>A (NM_001406986.1); c.-389T>A (NM_001406990.1, NM_001406995.1, NM_001407002.1); c.-652T>A (NM_001406994.1, NM_001407000.1); c.-832T>A (NM_001406999.1); c.-495T>A (NM_001407001.1); c.-203+8108T>A (NM_001406993.1, NM_001407003.1); short protein forms S5T.
Identifiers: ClinVar variation 4991959 (VCV004991959.1).
Genomic context (GRCh38, chr1:156,114,931, plus strand): 5'-CCTTTCCGGGACCCCTGCCCCGCGGGCAGCGCTGCCAACCTGCCGGCCATGGAGACCCCG[T>A]CCCAGCGGCGCGCCACCCGCAGCGGGGCGCAGGCCAGCTCCACTCCGCTGTCGCCCACCC-3'
Protein context (NP_733821.1, residues 1-15): METP[Ser5Thr]QRRATRSGAQ

ClinVar aggregate classification (germline): Uncertain significance (1 of 4 stars; one submission).

Conditions:
LMNA-related disorder. Also called: LMNA-related condition; LMNA-related disease; LMNA-related disorders. Identifiers: MedGen CN380145.

Submission:

PreventionGenetics, part of Exact Sciences
Classification: Uncertain significance for LMNA-related condition. Last evaluated: 2026-06-24. Review status: criteria provided, single submitter. Criteria: ACMG Guidelines, 2015. Collection method: clinical testing. Allele origin: germline.
Comment: The LMNA c.13T>A variant is predicted to result in the amino acid substitution p.Ser5Thr. To our knowledge, this variant has not been reported in the literature or in a large population database (gnomAD), indicating this variant is rare. A nearby missense variant (p.Pro4Arg) has been reported in individuals with atypical progeroid syndrome (Garg et al. 2009. PubMed ID: 19875478). At this time, the clinical significance of this variant is uncertain due to the absence of conclusive functional and genetic evidence.